The following is an entry in ClinVar:

ClinVar aggregate classification (germline): Pathogenic (1 of 4 stars; one submission).

Conditions:
ANK1-related disorder. Also called: ANK1-related condition.

Submission:

PreventionGenetics, part of Exact Sciences
Classification: Pathogenic for ANK1-related condition. Last evaluated: 2023-03-22. Review status: criteria provided, single submitter. Criteria: ACMG Guidelines, 2015. Collection method: clinical testing. Allele origin: germline.
Comment: The ANK1 c.4520C>A variant is predicted to result in premature protein termination (p.Ser1507*). To our knowledge, this variant has not been reported in the literature or in a large population database, indicating this variant is rare. Nonsense variants in ANK1 are expected to be pathogenic. This variant is interpreted as pathogenic.

NM_000037.4(ANK1):c.4520C>A (p.Ser1507Ter)

Genes: ANK1 (ankyrin 1; minus strand), LOC126860368 (BRD4-independent group 4 enhancer GRCh37_chr8:41541049-41542248; plus strand). Cytogenetic location: 8p11.21.
Variant type: single nucleotide variant.
Coding change: c.4520C>A on transcript NM_000037.4 (MANE Select); coding-DNA position 4520, C replaced by A.
Protein change: p.Ser1507Ter; replaces serine 1507 with a stop codon.
Molecular consequence: nonsense.
Genome position (GRCh38, 1-based): chr8:41,684,561, G>T on the plus strand (C>A on the coding strand, the complement: ANK1 is on the minus strand). VCF-style: chr8-41684561-G-T. GRCh37 (hg19) VCF-style: chr8-41542079-G-T.
Other names: c.4643C>A, p.Ser1548Ter (NM_001142446.2); c.4520C>A, p.Ser1507Ter (NM_020475.3, NM_020476.3, NM_020477.3); short protein forms S1507*, S1548*.
Identifiers: ClinVar variation 2633701 (VCV002633701.1), dbSNP rs2486721298, ClinGen allele CA371057014.